The following is an entry in ClinVar:

ClinVar aggregate classification (germline): Uncertain significance (1 of 4 stars; one submission).

Conditions:
Amyotrophic lateral sclerosis type 21. Also called: VOCAL CORD AND PHARYNGEAL DYSFUNCTION WITH DISTAL MYOPATHY; MYOPATHY, DISTAL, 2. Identifiers: Orphanet 600, Orphanet 803, MedGen C3807521, MONDO:0011632, OMIM 606070.

Allele frequency attached by ClinVar (database versions not stated): TOPMed below 0.00001.

Submission:

Labcorp Genetics (formerly Invitae), Labcorp
Classification: Uncertain significance for Amyotrophic lateral sclerosis type 21. Last evaluated: 2017-05-31. Review status: criteria provided, single submitter. Criteria: Invitae Variant Classification Sherloc (09022015). Collection method: clinical testing. Allele origin: germline.
Comment: In summary, this variant has uncertain impact on MATR3 function. The available evidence is currently insufficient to determine its role in disease. Therefore, it has been classified as a Variant of Uncertain Significance. Algorithms developed to predict the effect of missense changes on protein structure and function (SIFT, PolyPhen-2, Align-GVGD) all suggest that this variant is likely to be tolerated, but these predictions have not been confirmed by published functional studies and their clinical significance is uncertain. This variant has not been reported in the literature in individuals with a MATR3-related disease. This variant is not present in population databases (ExAC no frequency). This sequence change replaces aspartic acid with histidine at codon 638 of the MATR3 protein (p.Asp638His). The aspartic acid residue is moderately conserved and there is a moderate physicochemical difference between aspartic acid and histidine.

NM_018834.6(MATR3):c.1912G>C (p.Asp638His)

Genes: MATR3 (matrin 3; plus strand), LOC126807526 (CDK7 strongly-dependent group 2 enhancer GRCh37_chr5:138657767-138658966; plus strand). Cytogenetic location: 5q31.2.
Variant type: single nucleotide variant.
Coding change: c.1912G>C on transcript NM_018834.6 (MANE Select); coding-DNA position 1912, G replaced by C.
Protein change: p.Asp638His; replaces aspartic acid 638 with histidine.
Molecular consequence: missense variant.
Genome position (GRCh38, 1-based): chr5:139,322,731, G>C. VCF-style: chr5-139322731-G-C. GRCh37 (hg19) VCF-style: chr5-138658420-G-C.
Other names: c.1912G>C, p.Asp638His (NM_001194954.2, NM_001194955.2, NM_199189.3); c.1048G>C, p.Asp350His (NM_001194956.2); c.898G>C, p.Asp300His (NM_001282278.2); short protein forms D638H, D300H, D350H.
Identifiers: ClinVar variation 474080 (VCV000474080.9), dbSNP rs1554148872, ClinGen allele CA361143841.
Genomic context (GRCh38, chr5:139,322,731, plus strand): 5'-ACTGAGAGTTCAACCGAAGGTAAAGAACAAGAAGAGAAGTCCGGTGAAGATGGTGAGAAA[G>C]ACACAAAGGATGACCAGACAGAGCAGGAACCTAATATGCTTCTTGAATCTGAAGATGAGC-3'
Protein context (NP_061322.2, residues 628-648): EEKSGEDGEK[Asp638His]TKDDQTEQEP